The following is an entry in ClinVar:

ClinVar aggregate classification (germline): Uncertain significance (1 of 4 stars; one submission).

Conditions:
Evans syndrome, immunodeficiency, and premature immunosenescence associated with tripeptidyl-peptidase II deficiency. Identifiers: MedGen CN231723. Disease mechanism: loss of function.

Allele frequency attached by ClinVar (database versions not stated): gnomAD exomes 0.00001; TOPMed 0.00001; gnomAD 0.00002; ExAC 0.00006; ESP Exome Variant Server 0.00008.
gnomAD v4.1: 20 of 1,613,774 alleles (0.0012%); highest among the groups gnomAD compares: South Asian, 0.012%; no homozygotes.

Submission:

Labcorp Genetics (formerly Invitae), Labcorp
Classification: Uncertain significance for Evans syndrome, immunodeficiency, and premature immunosenescence associated with tripeptidyl-peptidase II deficiency. Last evaluated: 2022-01-21. Review status: criteria provided, single submitter. Criteria: Invitae Variant Classification Sherloc (09022015). Collection method: clinical testing. Allele origin: germline.
Comment: This sequence change falls in intron 11 of the TPP2 gene. It does not directly change the encoded amino acid sequence of the TPP2 protein. It affects a nucleotide within the consensus splice site. This variant is present in population databases (rs2274462, gnomAD 0.01%). This variant has not been reported in the literature in individuals affected with TPP2-related conditions. Variants that disrupt the consensus splice site are a relatively common cause of aberrant splicing (PMID: 17576681, 9536098). Algorithms developed to predict the effect of sequence changes on RNA splicing suggest that this variant may create or strengthen a splice site. In summary, the available evidence is currently insufficient to determine the role of this variant in disease. Therefore, it has been classified as a Variant of Uncertain Significance.

Literature cited by the submitters: PubMed 17576681; PubMed 9536098.

NM_001330588.2(TPP2):c.1393+6C>T

Gene: TPP2 (tripeptidyl peptidase 2; plus strand). Cytogenetic location: 13q33.1.
Variant type: single nucleotide variant.
Coding change: c.1393+6C>T on transcript NM_001330588.2 (MANE Select); 6 bases into the intron after coding-DNA position 1393, C replaced by T.
Molecular consequence: intron variant.
Genome position (GRCh38, 1-based): chr13:102,634,104, C>T. VCF-style: chr13-102634104-C-T. GRCh37 (hg19) VCF-style: chr13-103286454-C-T.
Other names: c.1393+6C>T (NM_001367947.1, NM_003291.4).
Identifiers: ClinVar variation 1897521 (VCV001897521.2), dbSNP rs2274462, ClinGen allele CA7037715.